The following is an entry in ClinVar:

NM_133510.4(RAD51B):c.316-13_316-3del

Gene: RAD51B (RAD51 paralog B; plus strand). Cytogenetic location: 14q24.1.
Variant type: Deletion.
Coding change: c.316-13_316-3del on transcript NM_133510.4 (MANE Select); 13 bases into the intron before coding-DNA position 316 through 3 bases into the intron before coding-DNA position 316, 11 bases deleted (TTTTTTTTTTT).
Molecular consequence: intron variant.
Genome position (GRCh38, 1-based): chr14:67,864,990-67,865,000, TTTTTTTTTTT deleted; deleting any 11 consecutive bases within chr14:67,864,962-67,865,000 gives the same sequence; the c. name uses the placement nearest the transcript's 3' end. VCF-style (leftmost placement, unchanged base first): chr14-67864961-CTTTTTTTTTTT-C. GRCh37 (hg19) VCF-style: chr14-68331678-CTTTTTTTTTTT-C.
Other names: c.316-13_316-3del (NM_001321818.2, NM_001321809.2, NM_001321821.2 and 6 more transcripts); c.-42-13_-42-3del (NM_001321817.2); c.202-13_202-3del (NM_001321815.1).
Identifiers: ClinVar variation 3388278 (VCV003388278.14).

ClinVar aggregate classification (germline): Likely benign (1 of 4 stars; one submission).

Submission:

CeGaT Center for Human Genetics Tuebingen
Classification: Likely benign. Last evaluated: 2025-03-01. Review status: criteria provided, single submitter. Criteria: CeGaT Center For Human Genetics Tuebingen Variant Classification Criteria Version 2. Collection method: clinical testing. Allele origin: germline. Affected: yes. Observed: 3 variant alleles.
Comment: RAD51B: BP4, BS2